The following is an entry in ClinVar:

NM_000465.4(BARD1):c.1529T>C (p.Val510Ala)

Gene: BARD1 (BRCA1 associated RING domain 1; minus strand). Cytogenetic location: 2q35.
Variant type: single nucleotide variant.
Coding change: c.1529T>C on transcript NM_000465.4 (MANE Select); coding-DNA position 1529, T replaced by C.
Protein change: p.Val510Ala; replaces valine 510 with alanine.
Molecular consequence: missense variant. On other transcripts: non-coding transcript variant (3), intron variant (3).
Genome position (GRCh38, 1-based): chr2:214,767,521, A>G on the plus strand (T>C on the coding strand, the complement: BARD1 is on the minus strand). VCF-style: chr2-214767521-A-G. GRCh37 (hg19) VCF-style: chr2-215632245-A-G.
Other names: c.1472T>C, p.Val491Ala (NM_001282543.2); c.159-14966T>C (NM_001282548.2); c.216-14966T>C (NM_001282545.2); c.364+24776T>C (NM_001282549.2); short protein forms V491A, V510A.
Identifiers: ClinVar variation 1774577 (VCV001774577.2), dbSNP rs2469442900, ClinGen allele CA350448224.

ClinVar aggregate classification (germline): Uncertain significance (1 of 4 stars; one submission).

Conditions:
Hereditary cancer-predisposing syndrome. Also called: Hereditary Cancer Syndrome; Hereditary neoplastic syndrome; Neoplastic Syndromes, Hereditary; Tumor predisposition. Identifiers: Orphanet 140162, MedGen C0027672, MeSH D009386, MONDO:0015356.

Submission:

Ambry Genetics
Classification: Uncertain significance for Hereditary cancer-predisposing syndrome. Last evaluated: 2021-12-22. Review status: criteria provided, single submitter. Criteria: Ambry Variant Classification Scheme 2023. Collection method: clinical testing. Allele origin: germline.
Comment: The p.V510A variant (also known as c.1529T>C), located in coding exon 6 of the BARD1 gene, results from a T to C substitution at nucleotide position 1529. The valine at codon 510 is replaced by alanine, an amino acid with similar properties. This amino acid position is conserved. In addition, this alteration is predicted to be tolerated by in silico analysis. Since supporting evidence is limited at this time, the clinical significance of this alteration remains unclear.